The following is an entry in ClinVar:

ClinVar aggregate classification (germline): Conflicting classifications of pathogenicity. Review status: criteria provided, conflicting classifications (1 of 4 stars). 7 submissions from 7 submitters: Uncertain significance (1); Benign (1); Likely benign (5). Last evaluated 2026-01-26.

Conditions:
Hereditary cancer-predisposing syndrome. Also called: Hereditary Cancer Syndrome; Neoplastic Syndromes, Hereditary; Tumor predisposition; Hereditary neoplastic syndrome. Identifiers: Orphanet 140162, MedGen C0027672, MeSH D009386, MONDO:0015356.
Familial cancer of breast. Also called: BREAST CANCER, FAMILIAL; Hereditary breast cancer; hereditary breast carcinoma. Identifiers: Orphanet 227535, MedGen C0346153, MONDO:0016419, OMIM 114480. Disease mechanism: loss of function.
Ataxia-telangiectasia syndrome (AT). Also called: Cerebello-oculocutaneous telangiectasia; Immunodeficiency with ataxia telangiectasia; Ataxia-telangiectasia, complementation group E; Ataxia-telangiectasia, complementation group D; AT, COMPLEMENTATION GROUP C; ATAXIA-TELANGIECTASIA, COMPLEMENTATION GROUP A. Identifiers: Orphanet 100, MedGen C0004135, MONDO:0008840, OMIM 208900.

Allele frequency attached by ClinVar (database versions not stated): TOPMed below 0.00001; gnomAD exomes below 0.00001.
gnomAD v4.1: 3 of 1,611,440 alleles (0.00019%); highest among the groups gnomAD compares: East Asian, 0.0022%; no homozygotes.

Submissions (7):

Labcorp Genetics (formerly Invitae), Labcorp
Classification: Likely benign for Ataxia-telangiectasia syndrome. Last evaluated: 2026-01-26. Review status: criteria provided, single submitter. Criteria: Invitae Variant Classification Sherloc (09022015). Collection method: clinical testing. Allele origin: germline.

Molecular Diagnostics Laboratory, Catalan Institute of Oncology
Classification: Likely benign for Hereditary cancer-predisposing syndrome. Last evaluated: 2025-03-04. Review status: criteria provided, single submitter. Criteria: ClinGen ACMG Specifications ATM V1.1.0. Collection method: clinical testing. Allele origin: germline.
Comment: PM2_Supporting, BP4, BP7 c.8610T>C, located in exon 59 of the ATM gene, is predicted to result in no amino acid change, p.(Asp2870=) (BP7). This variant is found in 1/267315 alleles at a frequency of 0.0004% in the gnomAD v2.1.1 database, non-cancer dataset (PM2_Supporting). The SpliceAI algorithm predicts no significant impact on splicing (BP4). To our knowledge, neither relevant clinical data nor functional studies have been reported for this variant. This variant has been reported in the ClinVar database (1x benign, 4x likely benign, 1x uncertain significance) but not in the LOVD database. Based on currently available information, the variant c.8610T>C should be considered a likely benign variant.

Myriad Genetics, Inc.
Classification: Benign for Familial cancer of breast. Last evaluated: 2024-06-20. Review status: criteria provided, single submitter. Criteria: Myriad Autosomal Dominant, Autosomal Recessive and X-Linked Classification Criteria (2023). Collection method: clinical testing. Allele origin: unknown.
Comment: This variant is considered benign. This variant is a silent/synonymous amino acid change and it is not expected to impact splicing.

Quest Diagnostics Nichols Institute San Juan Capistrano
Classification: Uncertain significance. Last evaluated: 2023-11-24. Review status: criteria provided, single submitter. Criteria: Quest Diagnostics criteria. Collection method: clinical testing. Allele origin: unknown.

Sema4
Classification: Likely benign for Hereditary cancer-predisposing syndrome. Last evaluated: 2020-11-05. Review status: criteria provided, single submitter. Criteria: Sema4 Curation Guidelines. Collection method: curation. Allele origin: germline.

Color Diagnostics, LLC DBA Color Health
Classification: Likely benign for Hereditary cancer-predisposing syndrome. Last evaluated: 2020-04-06. Review status: criteria provided, single submitter. Criteria: ACMG Guidelines, 2015. Collection method: clinical testing. Allele origin: germline.

Ambry Genetics
Classification: Likely benign for Hereditary cancer-predisposing syndrome. Last evaluated: 2018-08-14. Review status: criteria provided, single submitter. Criteria: Ambry Variant Classification Scheme 2023. Collection method: clinical testing. Allele origin: germline.

NM_000051.4(ATM):c.8610T>C (p.Asp2870=)

Genes: ATM (ATM serine/threonine kinase; plus strand), C11orf65 (chromosome 11 open reading frame 65; minus strand). Cytogenetic location: 11q22.3.
Variant type: single nucleotide variant.
Coding change: c.8610T>C on transcript NM_000051.4 (MANE Select); coding-DNA position 8610, T replaced by C.
Protein change: p.Asp2870=; no amino-acid change (aspartic acid 2870 retained).
Molecular consequence: synonymous variant. On other transcripts: intron variant (2).
Genome position (GRCh38, 1-based): chr11:108,347,304, T>C. VCF-style: chr11-108347304-T-C. GRCh37 (hg19) VCF-style: chr11-108218031-T-C.
Other names: c.8610T>C, p.Asp2870= (NM_001351834.2); c.641-38233A>G (NM_001330368.2); c.695-12012A>G (NM_001351110.2).
Identifiers: ClinVar variation 575535 (VCV000575535.20), dbSNP rs1370524851, ClinGen allele CA476673476.